The following is an entry in ClinVar:

NM_000051.4(ATM):c.8786+8A>T

Genes: ATM (ATM serine/threonine kinase; plus strand), C11orf65 (chromosome 11 open reading frame 65; minus strand). Cytogenetic location: 11q22.3.
Variant type: single nucleotide variant.
Coding change: c.8786+8A>T on transcript NM_000051.4 (MANE Select); 8 bases into the intron after coding-DNA position 8786, A replaced by T.
Molecular consequence: intron variant.
Genome position (GRCh38, 1-based): chr11:108,353,888, A>T. VCF-style: chr11-108353888-A-T. GRCh37 (hg19) VCF-style: chr11-108224615-A-T.
Other names: c.8786+8A>T (NM_001351834.2); c.640+32032T>A (NM_001330368.2); c.695-18596T>A (NM_001351110.2).
Identifiers: ClinVar variation 922482 (VCV000922482.5), dbSNP rs4986839, ClinGen allele CA913188439.

ClinVar aggregate classification (germline): Likely benign. Review status: criteria provided, multiple submitters, no conflicts (2 of 4 stars). 2 submissions from 2 submitters: Likely benign (2). Last evaluated 2024-06-20.

Conditions:
Hereditary cancer-predisposing syndrome. Also called: Tumor predisposition; Neoplastic Syndromes, Hereditary; Hereditary neoplastic syndrome; Hereditary Cancer Syndrome. Identifiers: Orphanet 140162, MedGen C0027672, MeSH D009386, MONDO:0015356.
Familial cancer of breast. Also called: Hereditary breast cancer; hereditary breast carcinoma; BREAST CANCER, FAMILIAL. Identifiers: Orphanet 227535, MedGen C0346153, MONDO:0016419, OMIM 114480. Disease mechanism: loss of function.

gnomAD v4.1: 1 of 1,604,240 alleles (0.000062%); highest among the groups gnomAD compares: Non-Finnish European, 0.000085%; no homozygotes.

Submissions (2):

Myriad Genetics, Inc.
Classification: Likely benign for Familial cancer of breast. Last evaluated: 2024-06-20. Review status: criteria provided, single submitter. Criteria: Myriad Autosomal Dominant, Autosomal Recessive and X-Linked Classification Criteria (2023). Collection method: clinical testing. Allele origin: unknown.
Comment: This variant is considered likely benign. This variant is intronic and is not expected to impact mRNA splicing.

Color Diagnostics, LLC DBA Color Health
Classification: Likely benign for Hereditary cancer-predisposing syndrome. Last evaluated: 2018-11-26. Review status: criteria provided, single submitter. Criteria: ACMG Guidelines, 2015. Collection method: clinical testing. Allele origin: germline.